The following is an entry in ClinVar:

NM_015166.4(MLC1):c.909GCT[8] (p.Leu310dup)

Gene: MLC1 (modulator of VRAC current 1; minus strand). Cytogenetic location: 22q13.33.
Variant type: Microsatellite.
Coding change: c.909GCT[8] on transcript NM_015166.4 (MANE Select); eight copies in a row of the 3-base unit GCT starting at c.909; the reference has seven copies in a row; one copy, 3 bases duplicated.
Protein change: p.Leu310dup; duplicates leucine 310.
Molecular consequence: inframe insertion. On other transcripts: non-coding transcript variant (3).
Genome position (GRCh38, 1-based): chr22:50,064,164-50,064,166, AGC duplicated on the plus strand (GCT on the coding strand, the reverse complement: MLC1 is on the minus strand); duplicating any 3 consecutive bases within chr22:50,064,164-50,064,185 gives the same sequence; the position shown is the placement nearest the transcript's 3' end. VCF-style (leftmost placement, unchanged base first): chr22-50064163-T-TAGC. GRCh37 (hg19) VCF-style: chr22-50502592-T-TAGC.
Other names: c.927_929dupGCT (NM_015166.4); c.909GCT[8], p.Leu310dup (NM_001376472.1, NM_001376473.1, NM_001376474.1 and 5 more transcripts); c.852GCT[8], p.Leu291dup (NM_001376479.1); c.819GCT[8], p.Leu280dup (NM_001376480.1); c.807GCT[8], p.Leu276dup (NM_001376481.1); c.753GCT[8], p.Leu258dup (NM_001376482.1, NM_001376483.1); c.672GCT[8], p.Leu231dup (NM_001376484.1).
Identifiers: ClinVar variation 554972 (VCV000554972.9), dbSNP rs761096481, ClinGen allele CA10303294.

ClinVar aggregate classification (germline): Uncertain significance. Review status: criteria provided, multiple submitters, no conflicts (2 of 4 stars). 4 submissions from 4 submitters: Uncertain significance (3). 1 of the submissions does not count toward it. Last evaluated 2024-10-04.

Conditions:
Megalencephalic leukoencephalopathy with subcortical cysts 1 (MLC1). Also called: VACUOLATING MEGALENCEPHALIC LEUKOENCEPHALOPATHY WITH SUBCORTICAL CYSTS; LEUKOENCEPHALOPATHY WITH SWELLING AND CYSTS. Identifiers: Orphanet 2478, MedGen C5779875, MONDO:0024555, OMIM 604004.

Submissions (4):

Blueprint Genetics
Classification: Uncertain significance. Last evaluated: 2024-10-04. Review status: criteria provided, single submitter. Criteria: ACMG Guidelines, 2015. Collection method: clinical testing. Allele origin: germline.

Women's Health and Genetics/Laboratory Corporation of America, LabCorp
Classification: Uncertain significance. Last evaluated: 2023-12-12. Review status: criteria provided, single submitter. Criteria: LabCorp Variant Classification Summary - May 2015. Collection method: clinical testing. Allele origin: germline.
Comment: Variant summary: MLC1 c.927_929dupGCT (p.Leu310dup) results in an in-frame duplication that is predicted to duplicate one amino acid into the encoded protein. The variant allele was found at a frequency of 5.6e-05 in 233570 control chromosomes. This frequency is not significantly higher than estimated for a pathogenic variant in MLC1 causing Megalencephalic Leukoencephalopathy With Subcortical Cysts 1 (5.6e-05 vs 0.0011), allowing no conclusion about variant significance. c.927_929dupGCT has been reported in the literature in at-least one individual affected with milder features of Megalencephalic Leukoencephalopathy With Subcortical Cysts 1 (example, Montagna_2006 cited in van der Knaap_2012 and Capdevila-Nortes_2013). These report(s) do not provide unequivocal conclusions about association of the variant with Megalencephalic Leukoencephalopathy With Subcortical Cysts 1. At least one publication reports experimental evidence evaluating an impact on protein function (Montagna_2006). The most pronounced variant effect results in >50%-90% of normal protein and plasma membrane expression. The following publications have been ascertained in the context of this evaluation (PMID: 23793458, 16470554, 23079554). Three submitters have cited clinical-significance assessments for this variant to ClinVar after 2014. All submitters classified the variant as uncertain significance. Based on the evidence outlined above, the variant was classified as uncertain significance.

Labcorp Genetics (formerly Invitae), Labcorp
Classification: Uncertain significance. Last evaluated: 2022-08-10. Review status: criteria provided, single submitter. Criteria: Invitae Variant Classification Sherloc (09022015). Collection method: clinical testing. Allele origin: germline.
Comment: This variant, c.927_929dup, results in the insertion of 1 amino acid(s) of the MLC1 protein (p.Leu310dup), but otherwise preserves the integrity of the reading frame. The frequency data for this variant in the population databases is considered unreliable, as metrics indicate poor data quality at this position in the gnomAD database. This variant has been observed in individual(s) with megalencephalic leukoencephalopathy with subcortical cysts (PMID: 16470554). Algorithms developed to predict the effect of variants on protein structure and function are not available or were not evaluated for this variant. Experimental studies have shown that this variant affects MLC1 function (PMID: 16470554, 23793458). In summary, the available evidence is currently insufficient to determine the role of this variant in disease. Therefore, it has been classified as a Variant of Uncertain Significance.

Counsyl
Classification: Uncertain significance for Megalencephalic leukoencephalopathy with subcortical cysts 1. Last evaluated: 2017-11-09. Review status: no assertion criteria provided. Collection method: clinical testing. Allele origin: unknown. Not counted in ClinVar's aggregate classification.

Literature cited by the submitters: PubMed 16470554 (cited by 3 submitters); PubMed 23079554 (cited by Women's Health and Genetics/Laboratory Corporation of America, LabCorp); PubMed 23793458 (cited by 3 submitters).